The following is an entry in ClinVar:

ClinVar aggregate classification (germline): Benign/Likely benign. Review status: criteria provided, multiple submitters, no conflicts (2 of 4 stars). 4 submissions from 4 submitters: Benign (3); Likely benign (1). Last evaluated 2025-12-22.

Allele frequency attached by ClinVar (database versions not stated): TOPMed 0.00548; gnomAD exomes 0.00118; ExAC 0.00136; gnomAD 0.00454 and 0.00497; 1000 Genomes Project 0.00459; 1000 Genomes Project 30x 0.00468; ESP Exome Variant Server 0.00538.
gnomAD v4.1: 1,322 of 1,609,818 alleles (0.082%); highest among the groups gnomAD compares: African/African-American, 1.6%; 11 homozygotes.

Submissions (4):

Labcorp Genetics (formerly Invitae), Labcorp
Classification: Benign. Last evaluated: 2025-12-22. Review status: criteria provided, single submitter. Criteria: Invitae Variant Classification Sherloc (09022015). Collection method: clinical testing. Allele origin: germline.

Mayo Clinic Laboratories, Mayo Clinic
Classification: Benign. Last evaluated: 2025-03-03. Review status: criteria provided, single submitter. Criteria: ACMG Guidelines, 2015. Collection method: clinical testing. Allele origin: germline. Observed: 2 variant alleles.
Comment: BA1, BP4, BP7

Blueprint Genetics
Classification: Likely benign. Last evaluated: 2024-11-25. Review status: criteria provided, single submitter. Criteria: ACMG Guidelines, 2015. Collection method: clinical testing. Allele origin: germline.

Breakthrough Genomics
Classification: Benign. Review status: criteria provided, single submitter. Criteria: ACMG Guidelines, 2015. Collection method: not provided. Allele origin: germline. Inheritance: Autosomal recessive inheritance. Affected: yes.

NM_020821.3(VPS13C):c.4746C>T (p.Ile1582=)

Gene: VPS13C (vacuolar protein sorting 13 homolog C; minus strand). Cytogenetic location: 15q22.2.
Variant type: single nucleotide variant.
Coding change: c.4746C>T on transcript NM_020821.3 (MANE Select); coding-DNA position 4746, C replaced by T.
Protein change: p.Ile1582=; no amino-acid change (isoleucine 1582 retained).
Molecular consequence: synonymous variant.
Genome position (GRCh38, 1-based): chr15:61,949,456, G>A on the plus strand (C>T on the coding strand, the complement: VPS13C is on the minus strand). VCF-style: chr15-61949456-G-A. GRCh37 (hg19) VCF-style: chr15-62241655-G-A.
Other names: p.Ile1582=; c.4746C>T, p.Ile1582= (NM_001018088.3); c.4617C>T, p.Ile1539= (NM_017684.5, NM_018080.4).
Identifiers: ClinVar variation 790697 (VCV000790697.13), dbSNP rs80151244, ClinGen allele CA7596011.